The following is an entry in ClinVar:

ClinVar aggregate classification (germline): Uncertain significance. Review status: criteria provided, multiple submitters, no conflicts (2 of 4 stars). 2 submissions from 2 submitters: Uncertain significance (2). Last evaluated 2024-04-17.

Conditions:
Neuropathy, hereditary sensory, type 2C. Also called: KIF1A-Related HSAN2 (HSAN2C); Hereditary sensory and autonomic neuropathy type IIC. Identifiers: Orphanet 970, MedGen C3280168, MONDO:0013634, OMIM 614213.
Intellectual disability, autosomal dominant 9 (NESCAVS). Also called: KIF1A-Related Neurodevelopmental Disorder; NESCAV SYNDROME. Identifiers: Orphanet 662367, MedGen C5393830, MONDO:0013656, OMIM 614255.
Hereditary spastic paraplegia 30. Identifiers: Orphanet 101010, MedGen C5235139, MONDO:0012476.

Submissions (2):

Labcorp Genetics (formerly Invitae), Labcorp
Classification: Uncertain significance for Hereditary spastic paraplegia 30; Neuropathy, hereditary sensory, type 2C; Intellectual disability, autosomal dominant 9. Last evaluated: 2024-04-17. Review status: criteria provided, single submitter. Criteria: Invitae Variant Classification Sherloc (09022015). Collection method: clinical testing. Allele origin: germline.
Comment: This sequence change replaces arginine, which is basic and polar, with tryptophan, which is neutral and slightly polar, at codon 664 of the KIF1A protein (p.Arg664Trp). This variant is not present in population databases (gnomAD no frequency). This variant has not been reported in the literature in individuals affected with KIF1A-related conditions. ClinVar contains an entry for this variant (Variation ID: 1328820). Advanced modeling of protein sequence and biophysical properties (such as structural, functional, and spatial information, amino acid conservation, physicochemical variation, residue mobility, and thermodynamic stability) has been performed at Invitae for this missense variant, however the output from this modeling did not meet the statistical confidence thresholds required to predict the impact of this variant on KIF1A protein function. In summary, the available evidence is currently insufficient to determine the role of this variant in disease. Therefore, it has been classified as a Variant of Uncertain Significance.

GeneDx
Classification: Uncertain significance. Last evaluated: 2021-06-15. Review status: criteria provided, single submitter. Criteria: GeneDx Variant Classification Process June 2021. Collection method: clinical testing. Allele origin: germline. Affected: yes.
Comment: Has not been previously published as pathogenic or benign to our knowledge; Not observed at significant frequency in large population cohorts (Lek et al., 2016); In silico analysis supports that this missense variant has a deleterious effect on protein structure/function; This variant is associated with the following publications: (PMID: 27535533, 21820098, 21376300, 26410750, 26125038)

NM_001244008.2(KIF1A):c.2017C>T (p.Arg673Trp)

Gene: KIF1A (kinesin family member 1A; minus strand). Cytogenetic location: 2q37.3.
Variant type: single nucleotide variant.
Coding change: c.2017C>T on transcript NM_001244008.2 (MANE Select); coding-DNA position 2017, C replaced by T.
Protein change: p.Arg673Trp; replaces arginine 673 with tryptophan.
Molecular consequence: missense variant.
Genome position (GRCh38, 1-based): chr2:240,763,024, G>A on the plus strand (C>T on the coding strand, the complement: KIF1A is on the minus strand). VCF-style: chr2-240763024-G-A. GRCh37 (hg19) VCF-style: chr2-241702441-G-A.
Other names: c.2017C>T, p.Arg673Trp (NM_001320705.2, NM_001330289.2, NM_001379638.1); c.2092C>T, p.Arg698Trp (NM_001330290.2, NM_001379631.1, NM_001379634.1 and 2 more transcripts); c.1990C>T, p.Arg664Trp (NM_001379632.1, NM_001379633.1, NM_001379636.1 and 10 more transcripts); c.2065C>T, p.Arg689Trp (NM_001379637.1, NM_001379648.1); short protein forms R664W, R673W, R689W, R698W.
Identifiers: ClinVar variation 1328820 (VCV001328820.7), dbSNP rs2125904496, ClinGen allele CA351326524.